The following is an entry in ClinVar:

ClinVar aggregate classification (germline): Uncertain significance (1 of 4 stars; one submission).

Conditions:
Inborn genetic diseases. Identifiers: MedGen C0950123, MeSH D030342.

Submission:

Ambry Genetics
Classification: Uncertain significance for Inborn genetic diseases. Last evaluated: 2026-05-18. Review status: criteria provided, single submitter. Criteria: Ambry Variant Classification Scheme 2023. Collection method: clinical testing. Allele origin: germline.
Comment: The p.A500T variant (also known as c.1498G>A), located in coding exon 14 of the DDX41 gene, results from a G to A substitution at nucleotide position 1498. The alanine at codon 500 is replaced by threonine, an amino acid with similar properties. This amino acid position is conserved. In addition, the in silico prediction for this alteration is inconclusive. Based on the available evidence, the clinical significance of this variant remains unclear.

NM_016222.4(DDX41):c.1498G>A (p.Ala500Thr)

Gene: DDX41 (DEAD-box helicase 41; minus strand). Cytogenetic location: 5q35.3.
Variant type: single nucleotide variant.
Coding change: c.1498G>A on transcript NM_016222.4 (MANE Select); coding-DNA position 1498, G replaced by A.
Protein change: p.Ala500Thr; replaces alanine 500 with threonine.
Molecular consequence: missense variant.
Genome position (GRCh38, 1-based): chr5:177,512,547, C>T on the plus strand (G>A on the coding strand, the complement: DDX41 is on the minus strand). VCF-style: chr5-177512547-C-T. GRCh37 (hg19) VCF-style: chr5-176939548-C-T.
Other names: c.1120G>A, p.Ala374Thr (NM_001321732.2, NM_001321830.2); short protein forms A374T, A500T.
Identifiers: ClinVar variation 4869680 (VCV004869680.1).